The following is an entry in ClinVar:

NM_000051.4(ATM):c.2389A>G (p.Lys797Glu)

Gene: ATM (ATM serine/threonine kinase; plus strand). Cytogenetic location: 11q22.3.
Variant type: single nucleotide variant.
Coding change: c.2389A>G on transcript NM_000051.4 (MANE Select); coding-DNA position 2389, A replaced by G.
Protein change: p.Lys797Glu; replaces lysine 797 with glutamic acid.
Molecular consequence: missense variant.
Genome position (GRCh38, 1-based): chr11:108,258,998, A>G. VCF-style: chr11-108258998-A-G. GRCh37 (hg19) VCF-style: chr11-108129725-A-G.
Other names: c.2389A>G, p.Lys797Glu (NM_001351834.2); short protein forms K797E.
Identifiers: ClinVar variation 3652090 (VCV003652090.2).

ClinVar aggregate classification (germline): Uncertain significance (1 of 4 stars; one submission).

Conditions:
Ataxia-telangiectasia syndrome (AT). Also called: ATAXIA-TELANGIECTASIA, COMPLEMENTATION GROUP A; ATAXIA-TELANGIECTASIA, FRESNO VARIANT; LOUIS-BAR SYNDROME; Ataxia-telangiectasia, complementation group D; Ataxia-telangiectasia, complementation group E; Cerebello-oculocutaneous telangiectasia. Identifiers: Orphanet 100, MedGen C0004135, MONDO:0008840, OMIM 208900.

Submission:

Labcorp Genetics (formerly Invitae), Labcorp
Classification: Uncertain significance for Ataxia-telangiectasia syndrome. Last evaluated: 2024-05-04. Review status: criteria provided, single submitter. Criteria: Invitae Variant Classification Sherloc (09022015). Collection method: clinical testing. Allele origin: germline.
Comment: This sequence change replaces lysine, which is basic and polar, with glutamic acid, which is acidic and polar, at codon 797 of the ATM protein (p.Lys797Glu). This variant is not present in population databases (gnomAD no frequency). This variant has not been reported in the literature in individuals affected with ATM-related conditions. An algorithm developed to predict the effect of missense changes on protein structure and function (PolyPhen-2) suggests that this variant is likely to be tolerated. In summary, the available evidence is currently insufficient to determine the role of this variant in disease. Therefore, it has been classified as a Variant of Uncertain Significance.